The following is an entry in ClinVar:

NM_000179.3(MSH6):c.2878A>C (p.Asn960His)

Gene: MSH6 (mutS homolog 6; plus strand). Cytogenetic location: 2p16.3.
Variant type: single nucleotide variant.
Coding change: c.2878A>C on transcript NM_000179.3 (MANE Select); coding-DNA position 2878, A replaced by C.
Protein change: p.Asn960His; replaces asparagine 960 with histidine.
Molecular consequence: missense variant.
Genome position (GRCh38, 1-based): chr2:47,800,861, A>C. VCF-style: chr2-47800861-A-C. GRCh37 (hg19) VCF-style: chr2-48028000-A-C.
Other names: c.2488A>C, p.Asn830His (NM_001281492.2); c.1972A>C, p.Asn658His (NM_001281493.2, NM_001281494.2, NM_001406811.1 and 6 more transcripts); c.2974A>C, p.Asn992His (NM_001406795.1, NM_001406802.1); c.2878A>C, p.Asn960His (NM_001406796.1, NM_001406798.1, NM_001406800.1 and 2 more transcripts); c.2581A>C, p.Asn861His (NM_001406797.1, NM_001406801.1, NM_001406805.1 and 10 more transcripts); c.2353A>C, p.Asn785His (NM_001406799.1, NM_001406806.1, NM_001406807.1); c.2800A>C, p.Asn934His (NM_001406804.1); c.2884A>C, p.Asn962His (NM_001406813.1); and 2 more; short protein forms N861H, N904H, N960H, N830H, N934H, N275H, N658H, N785H.
Identifiers: ClinVar variation 1797121 (VCV001797121.5), dbSNP rs2104428431, ClinGen allele CA346756014.

ClinVar aggregate classification (germline): Uncertain significance. Review status: criteria provided, multiple submitters, no conflicts (2 of 4 stars). 2 submissions from 2 submitters: Uncertain significance (2). Last evaluated 2024-01-09.

Conditions:
Hereditary nonpolyposis colorectal neoplasms. Identifiers: MedGen C0009405, MeSH D003123.
Hereditary cancer-predisposing syndrome. Also called: Tumor predisposition; Hereditary Cancer Syndrome; Neoplastic Syndromes, Hereditary; Hereditary neoplastic syndrome. Identifiers: Orphanet 140162, MedGen C0027672, MeSH D009386, MONDO:0015356.

Submissions (2):

Labcorp Genetics (formerly Invitae), Labcorp
Classification: Uncertain significance for Hereditary nonpolyposis colorectal neoplasms. Last evaluated: 2024-01-09. Review status: criteria provided, single submitter. Criteria: Invitae Variant Classification Sherloc (09022015). Collection method: clinical testing. Allele origin: germline.
Comment: This sequence change replaces asparagine, which is neutral and polar, with histidine, which is basic and polar, at codon 960 of the MSH6 protein (p.Asn960His). This variant is not present in population databases (gnomAD no frequency). This variant has not been reported in the literature in individuals affected with MSH6-related conditions. ClinVar contains an entry for this variant (Variation ID: 1797121). Advanced modeling of protein sequence and biophysical properties (such as structural, functional, and spatial information, amino acid conservation, physicochemical variation, residue mobility, and thermodynamic stability) performed at Invitae indicates that this missense variant is not expected to disrupt MSH6 protein function with a negative predictive value of 95%. In summary, the available evidence is currently insufficient to determine the role of this variant in disease. Therefore, it has been classified as a Variant of Uncertain Significance.

Ambry Genetics
Classification: Uncertain significance for Hereditary cancer-predisposing syndrome. Last evaluated: 2022-06-27. Review status: criteria provided, single submitter. Criteria: Ambry Variant Classification Scheme 2023. Collection method: clinical testing. Allele origin: germline.
Comment: The p.N960H variant (also known as c.2878A>C), located in coding exon 4 of the MSH6 gene, results from an A to C substitution at nucleotide position 2878. The asparagine at codon 960 is replaced by histidine, an amino acid with similar properties. This amino acid position is poorly conserved in available vertebrate species. In addition, this alteration is predicted to be tolerated by in silico analysis. Since supporting evidence is limited at this time, the clinical significance of this alteration remains unclear.